The following is an entry in ClinVar:

ClinVar aggregate classification (germline): Likely benign. Review status: criteria provided, multiple submitters, no conflicts (2 of 4 stars). 3 submissions from 3 submitters: Likely benign (2). 1 of the submissions does not count toward it. Last evaluated 2025-12-17.

Conditions:
Immunodeficiency, common variable, 1. Also called: ANTIBODY DEFICIENCY DUE TO ICOS DEFECT. Identifiers: Orphanet 1572, Orphanet 695183, MedGen C3149378, MONDO:0011864, OMIM 607594.
ICOS-related disorder. Also called: ICOS-related condition.

Allele frequency attached by ClinVar (database versions not stated): ExAC 0.00012; gnomAD 0.00014; TOPMed 0.00014; 1000 Genomes Project 30x 0.00016; gnomAD exomes 0.00017; 1000 Genomes Project 0.00020; ESP Exome Variant Server 0.00023.
gnomAD v4.1: 260 of 1,613,572 alleles (0.016%); highest among the groups gnomAD compares: Non-Finnish European, 0.02%; no homozygotes.

Submissions (3):

Labcorp Genetics (formerly Invitae), Labcorp
Classification: Likely benign for Immunodeficiency, common variable, 1. Last evaluated: 2025-12-17. Review status: criteria provided, single submitter. Criteria: Invitae Variant Classification Sherloc (09022015). Collection method: clinical testing. Allele origin: germline.

Blueprint Genetics
Classification: Likely benign. Last evaluated: 2024-10-25. Review status: criteria provided, single submitter. Criteria: ACMG Guidelines, 2015. Collection method: clinical testing. Allele origin: germline.

PreventionGenetics, part of Exact Sciences
Classification: Likely benign for ICOS-related condition. Last evaluated: 2021-10-18. Review status: no assertion criteria provided. Collection method: clinical testing. Allele origin: germline. Not counted in ClinVar's aggregate classification.
Comment: This variant is classified as likely benign based on ACMG/AMP sequence variant interpretation guidelines (Richards et al. 2015 PMID: 25741868, with internal and published modifications).

NM_012092.4(ICOS):c.438A>T (p.Gly146=)

Gene: ICOS (inducible T cell costimulator; plus strand). Cytogenetic location: 2q33.2.
Variant type: single nucleotide variant.
Coding change: c.438A>T on transcript NM_012092.4 (MANE Select); coding-DNA position 438, A replaced by T.
Protein change: p.Gly146=; no amino-acid change (glycine 146 retained).
Molecular consequence: synonymous variant.
Genome position (GRCh38, 1-based): chr2:203,956,702, A>T. VCF-style: chr2-203956702-A-T. GRCh37 (hg19) VCF-style: chr2-204821425-A-T.
Other names: c.438A>T (NM_012092.3).
Identifiers: ClinVar variation 1159862 (VCV001159862.12), dbSNP rs139449630, ClinGen allele CA2067281.